The following is an entry in ClinVar:

NM_003872.3(NRP2):c.1851C>T (p.Tyr617=)

Gene: NRP2 (neuropilin 2; plus strand). Cytogenetic location: 2q33.3.
Variant type: single nucleotide variant.
Coding change: c.1851C>T on transcript NM_003872.3 (MANE Select); coding-DNA position 1851, C replaced by T.
Protein change: p.Tyr617=; no amino-acid change (tyrosine 617 retained).
Molecular consequence: synonymous variant.
Genome position (GRCh38, 1-based): chr2:205,749,789, C>T. VCF-style: chr2-205749789-C-T. GRCh37 (hg19) VCF-style: chr2-206614513-C-T.
Other names: c.1851C>T, p.Tyr617= (NM_018534.4, NM_201266.2, NM_201267.2 and 1 more transcripts).
Identifiers: ClinVar variation 3029575 (VCV003029575.2), dbSNP rs772337898, ClinGen allele CA2069241.

ClinVar aggregate classification (germline): Likely benign (0 of 4 stars; one submission).

Conditions:
NRP2-related disorder. Also called: NRP2-related condition.

Allele frequency attached by ClinVar (database versions not stated): gnomAD exomes below 0.00001; TOPMed below 0.00001; ExAC 0.00001; gnomAD 0.00002.
gnomAD v4.1: 8 of 1,614,156 alleles (0.0005%); highest among the groups gnomAD compares: African/African-American, 0.0093%; no homozygotes.

Submission:

PreventionGenetics, part of Exact Sciences
Classification: Likely benign for NRP2-related condition. Last evaluated: 2023-02-17. Review status: no assertion criteria provided. Collection method: clinical testing. Allele origin: germline.
Comment: This variant is classified as likely benign based on ACMG/AMP sequence variant interpretation guidelines (Richards et al. 2015 PMID: 25741868, with internal and published modifications).